The following is an entry in ClinVar:

NM_022124.6(CDH23):c.9666C>A (p.Tyr3222Ter)

Gene: CDH23 (cadherin related 23; plus strand). Cytogenetic location: 10q22.1.
Variant type: single nucleotide variant.
Coding change: c.9666C>A on transcript NM_022124.6 (MANE Select); coding-DNA position 9666, C replaced by A.
Protein change: p.Tyr3222Ter; replaces tyrosine 3222 with a stop codon.
Molecular consequence: nonsense. On other transcripts: intron variant (2).
Genome position (GRCh38, 1-based): chr10:71,813,276, C>A. VCF-style: chr10-71813276-C-A. GRCh37 (hg19) VCF-style: chr10-73573033-C-A.
Other names: c.2946C>A, p.Tyr982Ter (NM_001171933.1); c.357C>A, p.Tyr119Ter (NM_001171935.1); c.2913+386C>A (NM_001171934.1); c.324+386C>A (NM_001171936.1); short protein forms Y119*, Y3222*, Y982*.
Identifiers: ClinVar variation 4816100 (VCV004816100.1).

ClinVar aggregate classification (germline): Likely pathogenic (1 of 4 stars; one submission).

Conditions:
Usher syndrome type 1 (USH1). Also called: RETINITIS PIGMENTOSA AND CONGENITAL DEAFNESS. Identifiers: Orphanet 231169, Orphanet 886, MedGen C1568247, MONDO:0010168, OMIM 276900.

Submission:

Natera, Inc.
Classification: Likely pathogenic for Usher syndrome type 1. Last evaluated: 2024-09-16. Review status: criteria provided, single submitter. Criteria: Natera Variant Classification Schema (03/2026). Collection method: clinical testing. Allele origin: germline.
Comment: The c.9666C>A variant in CDH23 is a nonsense variant predicted to introduce a stop codon at amino acid 3222. This variant is expected to result in nonsense mediated decay, truncation, or a dysfunctional protein product. This variant is rare in the general population with a frequency below the threshold expected for the associated phenotype(s). Given the available evidence, this variant is classified as Likely Pathogenic.